The following is an entry in ClinVar:

NM_000322.5(PRPH2):c.389T>G (p.Leu130Arg)

Gene: PRPH2 (peripherin 2; minus strand). Cytogenetic location: 6p21.1.
Variant type: single nucleotide variant.
Coding change: c.389T>G on transcript NM_000322.5 (MANE Select); coding-DNA position 389, T replaced by G.
Protein change: p.Leu130Arg; replaces leucine 130 with arginine.
Molecular consequence: missense variant.
Genome position (GRCh38, 1-based): chr6:42,721,946, A>C on the plus strand (T>G on the coding strand, the complement: PRPH2 is on the minus strand). VCF-style: chr6-42721946-A-C. GRCh37 (hg19) VCF-style: chr6-42689684-A-C.
Other names: short protein forms L130R.
Identifiers: ClinVar variation 1525359 (VCV001525359.6), dbSNP rs1761911206, ClinGen allele CA364137664.

ClinVar aggregate classification (germline): Likely pathogenic (1 of 4 stars; one submission).

Conditions:
PRPH2-related disorder. Also called: PRPH2-related condition; PRPH2-related disorders. Identifiers: MedGen CN239395.

Submission:

Labcorp Genetics (formerly Invitae), Labcorp
Classification: Likely pathogenic for PRPH2-related disorder. Last evaluated: 2021-10-20. Review status: criteria provided, single submitter. Criteria: Invitae Variant Classification Sherloc (09022015). Collection method: clinical testing. Allele origin: germline.
Comment: In summary, the currently available evidence indicates that the variant is pathogenic, but additional data are needed to prove that conclusively. Therefore, this variant has been classified as Likely Pathogenic. This variant disrupts the p.Leu130 amino acid residue in PRPH2. Other variant(s) that disrupt this residue have been determined to be pathogenic (PMID: 22842402, 28559085). This suggests that this residue is clinically significant, and that variants that disrupt this residue are likely to be disease-causing. Advanced modeling of protein sequence and biophysical properties (such as structural, functional, and spatial information, amino acid conservation, physicochemical variation, residue mobility, and thermodynamic stability) performed at Invitae indicates that this missense variant is expected to disrupt PRPH2 protein function. This variant has not been reported in the literature in individuals affected with PRPH2-related conditions. This variant is not present in population databases (gnomAD no frequency). This sequence change replaces leucine, which is neutral and non-polar, with arginine, which is basic and polar, at codon 130 of the PRPH2 protein (p.Leu130Arg).

Literature cited by the submitters: PubMed 22842402; PubMed 28559085.